The following is an entry in ClinVar:

NM_000271.5(NPC1):c.2201G>T (p.Ser734Ile)

Gene: NPC1 (NPC intracellular cholesterol transporter 1; minus strand). Cytogenetic location: 18q11.2.
Variant type: single nucleotide variant.
Coding change: c.2201G>T on transcript NM_000271.5 (MANE Select); coding-DNA position 2201, G replaced by T.
Protein change: p.Ser734Ile; replaces serine 734 with isoleucine.
Molecular consequence: missense variant.
Genome position (GRCh38, 1-based): chr18:23,543,499, C>A on the plus strand (G>T on the coding strand, the complement: NPC1 is on the minus strand). VCF-style: chr18-23543499-C-A. GRCh37 (hg19) VCF-style: chr18-21123463-C-A.
Other names: short protein forms S734I.
Identifiers: ClinVar variation 372775 (VCV000372775.16), dbSNP rs757475924, ClinGen allele CA8913187.

ClinVar aggregate classification (germline): Pathogenic/Likely pathogenic. Review status: criteria provided, multiple submitters, no conflicts (2 of 4 stars). 7 submissions from 7 submitters: Pathogenic (5); Likely pathogenic (1). 1 of the submissions does not count toward it. Last evaluated 2024-11-05.

Conditions:
Niemann-Pick disease, type C (NPC). Identifiers: Orphanet 646, MedGen C0220756, MONDO:0018982.
Niemann-Pick disease, type C1. Also called: NEUROVISCERAL STORAGE DISEASE WITH VERTICAL SUPRANUCLEAR OPHTHALMOPLEGIA; NIEMANN-PICK DISEASE WITH CHOLESTEROL ESTERIFICATION BLOCK; NIEMANN-PICK DISEASE WITHOUT SPHINGOMYELINASE DEFICIENCY; NIEMANN-PICK DISEASE, CHRONIC NEURONOPATHIC FORM; NIEMANN-PICK DISEASE, VARIANT TYPE C1. Identifiers: Orphanet 646, MedGen C3179455, MONDO:0009757, OMIM 257220.

Allele frequency attached by ClinVar (database versions not stated): gnomAD 0.00015 and 0.00014; ExAC 0.00002; gnomAD exomes 0.00008; TOPMed 0.00012.
gnomAD v4.1: 81 of 1,612,306 alleles (0.005%); highest among the groups gnomAD compares: Admixed American, 0.058%; no homozygotes.

Submissions (7):

Natera, Inc.
Classification: Pathogenic for Niemann-Pick disease type C1. Last evaluated: 2024-11-05. Review status: criteria provided, single submitter. Criteria: Natera Variant Classification Schema (03/2026). Collection method: clinical testing. Allele origin: germline.
Comment: The c.2201G>T variant in NPC1 is a missense variant predicted to cause substitution of serine to isoleucine at amino acid 734. This variant is rare in the general population with a frequency below the threshold expected for the associated phenotype(s). This variant has been observed in one or more individuals affected with the associated recessive disease, as either homozygous or compound heterozygous with a second variant (PMID: 26666848, 12955717, 23433426). Additionally, this variant has been observed to segregate in affected family members (PMID: 26666848). A different variant at the same position has been determined to be Pathogenic or Likely Pathogenic. Computational prediction algorithms indicate this variant is likely to affect gene or protein function. Given the available evidence, this variant is classified as Pathogenic.

Labcorp Genetics (formerly Invitae), Labcorp
Classification: Pathogenic for Niemann-Pick disease, type C1. Last evaluated: 2024-05-23. Review status: criteria provided, single submitter. Criteria: Invitae Variant Classification Sherloc (09022015). Collection method: clinical testing. Allele origin: germline.
Comment: This sequence change replaces serine, which is neutral and polar, with isoleucine, which is neutral and non-polar, at codon 734 of the NPC1 protein (p.Ser734Ile). The frequency data for this variant in the population databases is considered unreliable, as metrics indicate poor data quality at this position in the gnomAD database. This missense change has been observed in individual(s) with NPC1-related conditions (PMID: 12955717, 20718790, 23433426, 26666848). ClinVar contains an entry for this variant (Variation ID: 372775). Advanced modeling of protein sequence and biophysical properties (such as structural, functional, and spatial information, amino acid conservation, physicochemical variation, residue mobility, and thermodynamic stability) performed at Invitae indicates that this missense variant is expected to disrupt NPC1 protein function with a positive predictive value of 95%. For these reasons, this variant has been classified as Pathogenic.

Women's Health and Genetics/Laboratory Corporation of America, LabCorp
Classification: Pathogenic for Niemann-Pick disease, type C. Last evaluated: 2023-12-12. Review status: criteria provided, single submitter. Criteria: LabCorp Variant Classification Summary - May 2015. Collection method: clinical testing. Allele origin: germline.
Comment: Variant summary: NPC1 c.2201G>T (p.Ser734Ile) results in a non-conservative amino acid change located in the Sterol-sensing domain (IPR000731) of the encoded protein sequence. Five of five in-silico tools predict a damaging effect of the variant on protein function. The variant allele was found at a frequency of 8.4e-05 in 251276 control chromosomes (gnomAD). This frequency is not significantly higher than estimated for a pathogenic variant in NPC1 causing Niemann-Pick Disease Type C (8.4e-05 vs 0.0027), allowing no conclusion about variant significance. c.2201G>T has been reported in the literature in multiple individuals affected with Niemann-Pick Disease Type C (examples: Macias-Vidal_2011, Stampfer_2013, Imrie_2015, Rodriguez-Gil_2021). These data indicate that the variant is very likely to be associated with disease. The following publications have been ascertained in the context of this evaluation (PMID: 20718790, 34296265, 26666848, 23433426). Five submitters have cited clinical-significance assessments for this variant to ClinVar after 2014. All submitters classified the variant as pathogenic/likely pathogenic. Based on the evidence outlined above, the variant was classified as pathogenic.

Fulgent Genetics
Classification: Pathogenic for Niemann-Pick disease, type C1. Last evaluated: 2021-08-16. Review status: criteria provided, single submitter. Criteria: ACMG Guidelines, 2015. Collection method: clinical testing. Allele origin: unknown.

Eurofins Ntd Llc (ga)
Classification: Pathogenic. Last evaluated: 2017-12-21. Review status: criteria provided, single submitter. Criteria: EGL Classification Definitions 2015. Collection method: clinical testing. Allele origin: germline. Observed: 1 variant allele, 1 heterozygote.

GeneDx
Classification: Likely pathogenic. Last evaluated: 2015-12-17. Review status: criteria provided, single submitter. Criteria: GeneDx Variant Classification (06012015). Collection method: clinical testing. Allele origin: germline. Affected: yes.
Comment: The S734I variant in the NPC1 gene has been reported previously in association with Niemann-Pick Disease Type C, in affected individuals when present in the homozygous state or when heterozygous with another variant (Park et al., 2003; Macias-Vidal et al., 2014; Imrie et al., 2015). Functional studies showed no difference in protein expression when compared to wild type, suggesting the S734I variant has no effect on folding or degradation but could directly affect protein functionality (Macias-Vidal et al., 2014). The S734I variant was not observed in approximately 6,500 individuals of European and African American ancestry in the NHLBI Exome Sequencing Project, indicating it is not a common benign variant in these populations. The S734I variant is a non-conservative amino acid substitution, which is likely to impact secondary protein structure as these residues differ in polarity, charge, size and/or other properties. This substitution occurs at a position where amino acids with similar properties to Serine are tolerated across species. In silico analysis predicts this variant is probably damaging to the protein structure/function. Missense variants in nearby residues (G729E, P733R) have been reported in the Human Gene Mutation Database in association with Niemann-Pick Disease Type C (Stenson et al., 2014), supporting the functional importance of this region of the protein. The S734I variant is a strong candidate for a pathogenic variant, however the possibility it may be a rare benign variant cannot be excluded.

Counsyl
Classification: Likely pathogenic for Niemann-Pick disease, type C1. Last evaluated: 2017-05-30. Review status: no assertion criteria provided. Collection method: clinical testing. Allele origin: unknown. Not counted in ClinVar's aggregate classification.

Literature cited by the submitters: PubMed 26666848 (cited by 4 submitters); PubMed 12955717 (cited by 3 submitters); PubMed 23433426 (cited by 4 submitters); PubMed 20718790 (cited by 3 submitters); PubMed 34296265 (cited by Women's Health and Genetics/Laboratory Corporation of America, LabCorp); PubMed 25131710 (cited by Counsyl); PubMed 27139891 (cited by Counsyl).